The following is an entry in ClinVar:

NM_016148.5(SHANK1):c.4954G>C (p.Ala1652Pro)

Gene: SHANK1 (SH3 and multiple ankyrin repeat domains 1; minus strand). Cytogenetic location: 19q13.33.
Variant type: single nucleotide variant.
Coding change: c.4954G>C on transcript NM_016148.5 (MANE Select); coding-DNA position 4954, G replaced by C.
Protein change: p.Ala1652Pro; replaces alanine 1652 with proline.
Molecular consequence: missense variant.
Genome position (GRCh38, 1-based): chr19:50,667,006, C>G on the plus strand (G>C on the coding strand, the complement: SHANK1 is on the minus strand). VCF-style: chr19-50667006-C-G. GRCh37 (hg19) VCF-style: chr19-51170263-C-G.
Other names: short protein forms A1652P.
Identifiers: ClinVar variation 2631728 (VCV002631728.1), dbSNP rs2513876719, ClinGen allele CA407012466.

ClinVar aggregate classification (germline): Uncertain significance (1 of 4 stars; one submission).

Conditions:
SHANK1-related disorder. Also called: SHANK1-related condition.

Submission:

PreventionGenetics, part of Exact Sciences
Classification: Uncertain significance for SHANK1-related condition. Last evaluated: 2023-08-24. Review status: criteria provided, single submitter. Criteria: ACMG Guidelines, 2015. Collection method: clinical testing. Allele origin: germline.
Comment: The SHANK1 c.4954G>C variant is predicted to result in the amino acid substitution p.Ala1652Pro. To our knowledge, this variant has not been reported in the literature or in a large population database, indicating this variant is rare. At this time, the clinical significance of this variant is uncertain due to the absence of conclusive functional and genetic evidence.